The following is an entry in ClinVar:

ClinVar aggregate classification (germline): Uncertain significance (1 of 4 stars; one submission).

Submission:

Labcorp Genetics (formerly Invitae), Labcorp
Classification: Uncertain significance. Last evaluated: 2024-12-23. Review status: criteria provided, single submitter. Criteria: Invitae Variant Classification Sherloc (09022015). Collection method: clinical testing. Allele origin: germline.
Comment: This sequence change creates a premature translational stop signal (p.Glu740Argfs*50) in the MTOR gene. It is expected to result in an absent or disrupted protein product. However, the current clinical and genetic evidence is not sufficient to establish whether loss-of-function variants in MTOR cause disease. This variant is not present in population databases (gnomAD no frequency). This variant has not been reported in the literature in individuals affected with MTOR-related conditions. In summary, the available evidence is currently insufficient to determine the role of this variant in disease. Therefore, it has been classified as a Variant of Uncertain Significance.

NM_004958.4(MTOR):c.2217dup (p.Glu740fs)

Gene: MTOR (mechanistic target of rapamycin kinase; minus strand). Cytogenetic location: 1p36.22.
Variant type: Duplication.
Coding change: c.2217dup on transcript NM_004958.4 (MANE Select); coding-DNA position 2217, one base duplicated (A; older notation c.2217dupA).
Protein change: p.Glu740fs; shifts the reading frame from glutamic acid 740.
Molecular consequence: frameshift variant.
Genome position (GRCh38, 1-based): chr1:11,234,257, T duplicated on the plus strand (A on the coding strand, the reverse complement: MTOR is on the minus strand). VCF-style (leftmost placement, unchanged base first): chr1-11234256-C-CT. GRCh37 (hg19) VCF-style: chr1-11294313-C-CT.
Other names: c.2217dup, p.Glu740fs (NM_001386500.1); c.969dup, p.Glu324fs (NM_001386501.1); short protein forms E740fs, E324fs.
Identifiers: ClinVar variation 3723759 (VCV003723759.2).